The following is an entry in ClinVar:

NM_000540.3(RYR1):c.7836-13C>T

Gene: RYR1 (ryanodine receptor 1; plus strand). Cytogenetic location: 19q13.2.
Variant type: single nucleotide variant.
Coding change: c.7836-13C>T on transcript NM_000540.3 (MANE Select); 13 bases into the intron before coding-DNA position 7836, C replaced by T.
Molecular consequence: intron variant.
Genome position (GRCh38, 1-based): chr19:38,502,867, C>T. VCF-style: chr19-38502867-C-T. GRCh37 (hg19) VCF-style: chr19-38993507-C-T.
Other names: c.7836-13C>T (NM_001042723.2).
Identifiers: ClinVar variation 512906 (VCV000512906.8), dbSNP rs377583365, ClinGen allele CA070567.

ClinVar aggregate classification (germline): Likely benign. Review status: criteria provided, multiple submitters, no conflicts (2 of 4 stars). 3 submissions from 3 submitters: Likely benign (3). Last evaluated 2025-11-10.

Conditions:
RYR1-related disorder. Also called: RYR1-related condition; RYR1-related disorders. Identifiers: MedGen CN239331.
Malignant hyperthermia, susceptibility to, 1 (MHS1). Also called: Anesthesia related hyperthermia; Malignant hyperpyrexia; Fulminating hyperpyrexia; Pharmacogenic myopathy; RYR1-Related Malignant Hyperthermia Susceptibility; Malignant hyperthermia suceptibility 1. Identifiers: Orphanet 423, MedGen C2930980, MONDO:0007783, OMIM 145600.

Allele frequency attached by ClinVar (database versions not stated): ExAC 0.00001; gnomAD 0.00001; gnomAD exomes 0.00001; TOPMed 0.00001; ESP Exome Variant Server 0.00008.
gnomAD v4.1: 8 of 1,608,682 alleles (0.0005%); highest among the groups gnomAD compares: East Asian, 0.0022%; no homozygotes.

Submissions (3):

Labcorp Genetics (formerly Invitae), Labcorp
Classification: Likely benign for RYR1-related disorder. Last evaluated: 2025-11-10. Review status: criteria provided, single submitter. Criteria: Invitae Variant Classification Sherloc (09022015). Collection method: clinical testing. Allele origin: germline.

Color Diagnostics, LLC DBA Color Health
Classification: Likely benign for Malignant hyperthermia, susceptibility to, 1. Last evaluated: 2023-09-14. Review status: criteria provided, single submitter. Criteria: ACMG Guidelines, 2015. Collection method: clinical testing. Allele origin: germline.

GeneDx
Classification: Likely benign. Last evaluated: 2017-10-27. Review status: criteria provided, single submitter. Criteria: GeneDx Variant Classification (06012015). Collection method: clinical testing. Allele origin: germline. Affected: yes.
Comment: This variant is considered likely benign or benign based on one or more of the following criteria: it is a conservative change, it occurs at a poorly conserved position in the protein, it is predicted to be benign by multiple in silico algorithms, and/or has population frequency not consistent with disease.